The following is an entry in ClinVar:

NM_024408.4(NOTCH2):c.1066C>T (p.Arg356Cys)

Gene: NOTCH2 (notch receptor 2; minus strand). Cytogenetic location: 1p12.
Variant type: single nucleotide variant.
Coding change: c.1066C>T on transcript NM_024408.4 (MANE Select); coding-DNA position 1066, C replaced by T.
Protein change: p.Arg356Cys; replaces arginine 356 with cysteine.
Molecular consequence: missense variant.
Genome position (GRCh38, 1-based): chr1:119,969,553, G>A on the plus strand (C>T on the coding strand, the complement: NOTCH2 is on the minus strand). VCF-style: chr1-119969553-G-A. GRCh37 (hg19) VCF-style: chr1-120512176-G-A.
Other names: c.1066C>T, p.Arg356Cys (NM_001200001.2); c.1066C>T (NM_024408.3); short protein forms R356C.
Identifiers: ClinVar variation 595584 (VCV000595584.6), dbSNP rs782349821, ClinGen allele CA1040626.
Genomic context (GRCh38, chr1:119,969,553, plus strand): 5'-CGTCCTTCTGCTACCTACCTGCCTTCCCCTCTGGGCACATGCAAGAGAAGGAGGCCACAC[G>A]GTCGATGCAGGTGGAGCCTGGAGTACAGGAGGCGAAGGCACAATCATCAATGTTCTCACT-3'
Protein context (NP_077719.2, residues 346-366): SCTPGSTCID[Arg356Cys]VASFSCMCPE

ClinVar aggregate classification (germline): Uncertain significance. Review status: criteria provided, single submitter (1 of 4 stars). 2 submissions from 2 submitters: Uncertain significance (1). 1 of the submissions does not count toward it. Last evaluated 2017-12-27.

Conditions:
NOTCH2-related disorder. Also called: NOTCH2-related condition.

Allele frequency attached by ClinVar (database versions not stated): ExAC 0.00001; gnomAD exomes below 0.00001.
gnomAD v4.1: 1 of 1,613,992 alleles (0.000062%); highest among the groups gnomAD compares: East Asian, 0.0022%; no homozygotes.

Submissions (2):

Eurofins Ntd Llc (ga)
Classification: Uncertain significance. Last evaluated: 2017-12-27. Review status: criteria provided, single submitter. Criteria: EGL Classification Definitions 2015. Collection method: clinical testing. Allele origin: germline. Observed: 1 variant allele, 1 heterozygote.

PreventionGenetics, part of Exact Sciences
Classification: Uncertain significance for NOTCH2-related condition. Last evaluated: 2024-06-27. Review status: no assertion criteria provided. Collection method: clinical testing. Allele origin: germline. Not counted in ClinVar's aggregate classification.
Comment: The NOTCH2 c.1066C>T variant is predicted to result in the amino acid substitution p.Arg356Cys. To our knowledge, this variant has not been reported in the literature. This variant is reported in 0.0055% of alleles in individuals of East Asian descent in gnomAD. At this time, the clinical significance of this variant is uncertain due to the absence of conclusive functional and genetic evidence.